The following is an entry in ClinVar:

NM_003764.4(STX11):c.53A>G (p.Gln18Arg)

Gene: STX11 (syntaxin 11; plus strand). Cytogenetic location: 6q24.2.
Variant type: single nucleotide variant.
Coding change: c.53A>G on transcript NM_003764.4 (MANE Select); coding-DNA position 53, A replaced by G.
Protein change: p.Gln18Arg; replaces glutamine 18 with arginine.
Molecular consequence: missense variant.
Genome position (GRCh38, 1-based): chr6:144,186,680, A>G. VCF-style: chr6-144186680-A-G. GRCh37 (hg19) VCF-style: chr6-144507817-A-G.
Other names: short protein forms Q18R.
Identifiers: ClinVar variation 1365337 (VCV001365337.3), dbSNP rs892078817, ClinGen allele CA365948435.
Genomic context (GRCh38, chr6:144,186,680, plus strand): 5'-CAGGCAAAATGAAAGACCGGCTAGCAGAACTTCTGGACTTGTCCAAGCAATATGACCAGC[A>G]GTTCCCAGACGGGGACGATGAGTTTGACTCGCCCCACGAGGACATCGTGTTCGAGACGGA-3'
Protein context (NP_003755.2, residues 8-28): LLDLSKQYDQ[Gln18Arg]FPDGDDEFDS

ClinVar aggregate classification (germline): Uncertain significance (1 of 4 stars; one submission).

Conditions:
Familial hemophagocytic lymphohistiocytosis 4 (FHL4). Also called: STX11-Related Familial Hemophagocytic Lymphohistiocytosis (STX11-fHLH). Identifiers: Orphanet 540, MedGen C1863728, MONDO:0011336, OMIM 603552.

Allele frequency attached by ClinVar (database versions not stated): TOPMed 0.00001; gnomAD exomes below 0.00001.
gnomAD v4.1: 1 of 1,614,218 alleles (0.000062%); highest among the groups gnomAD compares: African/African-American, 0.0013%; no homozygotes.

Submission:

Labcorp Genetics (formerly Invitae), Labcorp
Classification: Uncertain significance for Familial hemophagocytic lymphohistiocytosis 4. Last evaluated: 2021-11-11. Review status: criteria provided, single submitter. Criteria: Invitae Variant Classification Sherloc (09022015). Collection method: clinical testing. Allele origin: germline.
Comment: This sequence change replaces glutamine, which is neutral and polar, with arginine, which is basic and polar, at codon 18 of the STX11 protein (p.Gln18Arg). This variant is not present in population databases (gnomAD no frequency). This variant has not been reported in the literature in individuals affected with STX11-related conditions. Algorithms developed to predict the effect of missense changes on protein structure and function (SIFT, PolyPhen-2, Align-GVGD) all suggest that this variant is likely to be tolerated. In summary, the available evidence is currently insufficient to determine the role of this variant in disease. Therefore, it has been classified as a Variant of Uncertain Significance.